The following is an entry in ClinVar:

NM_025114.4(CEP290):c.7107T>A (p.Ser2369Arg)

Gene: CEP290 (centrosomal protein 290; minus strand). Cytogenetic location: 12q21.32.
Variant type: single nucleotide variant.
Coding change: c.7107T>A on transcript NM_025114.4 (MANE Select); coding-DNA position 7107, T replaced by A.
Protein change: p.Ser2369Arg; replaces serine 2369 with arginine.
Molecular consequence: missense variant.
Genome position (GRCh38, 1-based): chr12:88,053,674, A>T on the plus strand (T>A on the coding strand, the complement: CEP290 is on the minus strand). VCF-style: chr12-88053674-A-T. GRCh37 (hg19) VCF-style: chr12-88447451-A-T.
Other names: short protein forms S2369R.
Identifiers: ClinVar variation 1931957 (VCV001931957.5), dbSNP rs2499426707, ClinGen allele CA385974895.

ClinVar aggregate classification (germline): Uncertain significance (1 of 4 stars; one submission).

Conditions:
Joubert syndrome. Also called: CEREBELLOPARENCHYMAL DISORDER IV; JOUBERT-BOLTSHAUSER SYNDROME; Familial aplasia of the vermis. Identifiers: Orphanet 475, MedGen C5979921, MONDO:0018772.
Meckel-Gruber syndrome. Also called: DYSENCEPHALIA SPLANCHNOCYSTICA; GRUBER SYNDROME; Dysencephalia splachnocystica. Identifiers: Orphanet 564, MedGen C0265215, MONDO:0018921.
Nephronophthisis. Also called: Juvenile Nephronophthisis. Identifiers: Orphanet 655, MedGen C0687120, MONDO:0019005, HP:0000090.

gnomAD v4.1: 1 of 1,542,860 alleles (0.000065%); no homozygotes.

Submission:

Labcorp Genetics (formerly Invitae), Labcorp
Classification: Uncertain significance for Joubert syndrome; Meckel-Gruber syndrome; Nephronophthisis. Last evaluated: 2022-10-08. Review status: criteria provided, single submitter. Criteria: Invitae Variant Classification Sherloc (09022015). Collection method: clinical testing. Allele origin: germline.
Comment: In summary, the available evidence is currently insufficient to determine the role of this variant in disease. Therefore, it has been classified as a Variant of Uncertain Significance. Algorithms developed to predict the effect of missense changes on protein structure and function are either unavailable or do not agree on the potential impact of this missense change (SIFT: "Deleterious"; PolyPhen-2: "Benign"; Align-GVGD: "Class C0"). This variant has not been reported in the literature in individuals affected with CEP290-related conditions. This variant is not present in population databases (gnomAD no frequency). This sequence change replaces serine, which is neutral and polar, with arginine, which is basic and polar, at codon 2369 of the CEP290 protein (p.Ser2369Arg).